The following is an entry in ClinVar:

ClinVar aggregate classification (germline): Uncertain significance (1 of 4 stars; one submission).

Submission:

CeGaT Center for Human Genetics Tuebingen
Classification: Uncertain significance. Last evaluated: 2023-08-01. Review status: criteria provided, single submitter. Criteria: CeGaT Center For Human Genetics Tuebingen Variant Classification Criteria Version 2. Collection method: clinical testing. Allele origin: germline. Affected: yes. Observed: 1 variant allele.
Comment: USP34: PM2

NM_014709.4(USP34):c.3596A>G (p.His1199Arg)

Gene: USP34 (ubiquitin specific peptidase 34; minus strand). Cytogenetic location: 2p15.
Variant type: single nucleotide variant.
Coding change: c.3596A>G on transcript NM_014709.4 (MANE Select); coding-DNA position 3596, A replaced by G.
Protein change: p.His1199Arg; replaces histidine 1199 with arginine.
Molecular consequence: missense variant.
Genome position (GRCh38, 1-based): chr2:61,311,857, T>C on the plus strand (A>G on the coding strand, the complement: USP34 is on the minus strand). VCF-style: chr2-61311857-T-C. GRCh37 (hg19) VCF-style: chr2-61538992-T-C.
Other names: short protein forms H1199R.
Identifiers: ClinVar variation 2650980 (VCV002650980.24), dbSNP rs2466371043, ClinGen allele CA346976976.
Genomic context (GRCh38, chr2:61,311,857, plus strand): 5'-CCAGCTGGCTGGCATACAACCCTTAGCGGCAGAGACTGTTTGTCACTCAGTGCTTTCAAA[T>C]GACTACTAATACCAGTGCCTTCAATTTGCCACTGTCTCAGATGATATGCAAACCTAAAAC-3'
Protein context (NP_055524.3, residues 1189-1209): WQIEGTGISS[His1199Arg]LKALSDKQSL